The following is an entry in ClinVar:

ClinVar aggregate classification (germline): Uncertain significance. Review status: criteria provided, multiple submitters, no conflicts (2 of 4 stars). 6 submissions from 6 submitters: Uncertain significance (6). Last evaluated 2025-09-30.

Conditions:
Microcephaly, normal intelligence and immunodeficiency (NBS). Also called: BERLIN BREAKAGE SYNDROME; SEEMANOVA SYNDROME II; Immunodeficiency, microcephaly with normal intelligence; Nijmegen breakage syndrome; Microcephaly with normal intelligence immunodeficiency and lymphoreticular malignancies; Nonsyndromal microcephaly autosomal recessive with normal intelligence. Identifiers: Orphanet 647, MedGen C0398791, MONDO:0009623, OMIM 251260.
Hereditary cancer-predisposing syndrome. Also called: Hereditary neoplastic syndrome; Hereditary Cancer Syndrome; Neoplastic Syndromes, Hereditary; Tumor predisposition. Identifiers: Orphanet 140162, MedGen C0027672, MeSH D009386, MONDO:0015356.

gnomAD v4.1: 2 of 1,613,482 alleles (0.00012%); highest among the groups gnomAD compares: Non-Finnish European, 0.00017%; no homozygotes.

Submissions (6):

Labcorp Genetics (formerly Invitae), Labcorp
Classification: Uncertain significance for Microcephaly, normal intelligence and immunodeficiency. Last evaluated: 2025-09-30. Review status: criteria provided, single submitter. Criteria: Invitae Variant Classification Sherloc (09022015). Collection method: clinical testing. Allele origin: germline.
Comment: This sequence change replaces threonine, which is neutral and polar, with isoleucine, which is neutral and non-polar, at codon 76 of the NBN protein (p.Thr76Ile). This variant is not present in population databases (gnomAD no frequency). This variant has not been reported in the literature in individuals affected with NBN-related conditions. ClinVar contains an entry for this variant (Variation ID: 422260). An algorithm developed to predict the effect of missense changes on protein structure and function (PolyPhen-2) suggests that this variant is likely to be disruptive. In summary, the available evidence is currently insufficient to determine the role of this variant in disease. Therefore, it has been classified as a Variant of Uncertain Significance.

Women's Health and Genetics/Laboratory Corporation of America, LabCorp
Classification: Uncertain significance. Last evaluated: 2024-11-07. Review status: criteria provided, single submitter. Criteria: LabCorp Variant Classification Summary - May 2015. Collection method: clinical testing. Allele origin: germline.
Comment: Variant summary: NBN c.227C>T (p.Thr76Ile) results in a non-conservative amino acid change in the encoded protein sequence. Four of five in-silico tools predict a damaging effect of the variant on protein function. The variant was absent in 251344 control chromosomes. The available data on variant occurrences in the general population are insufficient to allow any conclusion about variant significance. To our knowledge, no occurrence of c.227C>T in individuals affected with Nijmegen Breakage Syndrome and no experimental evidence demonstrating its impact on protein function have been reported. The following publication has been ascertained in the context of this evaluation (PMID: 26315354). ClinVar contains an entry for this variant (Variation ID: 422260). Based on the evidence outlined above, the variant was classified as uncertain significance.

Mayo Clinic Laboratories, Mayo Clinic
Classification: Uncertain significance. Last evaluated: 2023-10-06. Review status: criteria provided, single submitter. Criteria: ACMG Guidelines, 2015. Collection method: clinical testing. Allele origin: germline. Observed: 1 variant allele.
Comment: PP3, PM2_moderate

Ambry Genetics
Classification: Uncertain significance for Hereditary cancer-predisposing syndrome. Last evaluated: 2023-07-05. Review status: criteria provided, single submitter. Criteria: Ambry Variant Classification Scheme 2023. Collection method: clinical testing. Allele origin: germline.
Comment: The p.T76I variant (also known as c.227C>T), located in coding exon 3 of the NBN gene, results from a C to T substitution at nucleotide position 227. The threonine at codon 76 is replaced by isoleucine, an amino acid with similar properties. This amino acid position is highly conserved in available vertebrate species. In addition, this alteration is predicted to be deleterious by in silico analysis. Since supporting evidence is limited at this time, the clinical significance of this alteration remains unclear.

GeneDx
Classification: Uncertain significance. Last evaluated: 2022-12-02. Review status: criteria provided, single submitter. Criteria: GeneDx Variant Classification Process June 2021. Collection method: clinical testing. Allele origin: germline. Affected: yes.
Comment: Not observed at significant frequency in large population cohorts (gnomAD); In silico analysis supports that this missense variant has a deleterious effect on protein structure/function; Has not been previously published as pathogenic or benign to our knowledge; This variant is associated with the following publications: (PMID: 26315354, 24894818)

Genome-Nilou Lab
Classification: Uncertain significance for Microcephaly, normal intelligence and immunodeficiency. Last evaluated: 2021-11-07. Review status: criteria provided, single submitter. Criteria: ACMG Guidelines, 2015. Collection method: clinical testing. Allele origin: germline. Affected: no.

Literature cited by the submitters: PubMed 26315354 (cited by Women's Health and Genetics/Laboratory Corporation of America, LabCorp).

NM_002485.5(NBN):c.227C>T (p.Thr76Ile)

Gene: NBN (nibrin; minus strand). Cytogenetic location: 8q21.3.
Variant type: single nucleotide variant.
Coding change: c.227C>T on transcript NM_002485.5 (MANE Select); coding-DNA position 227, C replaced by T.
Protein change: p.Thr76Ile; replaces threonine 76 with isoleucine.
Molecular consequence: missense variant. On other transcripts: 5 prime UTR variant (1).
Genome position (GRCh38, 1-based): chr8:89,981,468, G>A on the plus strand (C>T on the coding strand, the complement: NBN is on the minus strand). VCF-style: chr8-89981468-G-A. GRCh37 (hg19) VCF-style: chr8-90993696-G-A.
Other names: p.Thr76Ile; c.-20C>T (NM_001024688.3); short protein forms T76I.
Identifiers: ClinVar variation 422260 (VCV000422260.22), dbSNP rs587781412, ClinGen allele CA16618714.